The following is an entry in ClinVar:

ClinVar aggregate classification (germline): Conflicting classifications of pathogenicity. Review status: criteria provided, conflicting classifications (1 of 4 stars). 2 submissions from 2 submitters: Uncertain significance (1); Likely benign (1). Last evaluated 2025-03-01.

gnomAD v4.1: 1,227 of 1,614,110 alleles (0.076%); highest among the groups gnomAD compares: Non-Finnish European, 0.043%; 5 homozygotes.

Submissions (2):

CeGaT Center for Human Genetics Tuebingen
Classification: Likely benign. Last evaluated: 2025-03-01. Review status: criteria provided, single submitter. Criteria: CeGaT Center For Human Genetics Tuebingen Variant Classification Criteria Version 2. Collection method: clinical testing. Allele origin: germline. Affected: yes. Observed: 1 variant allele.
Comment: UGDH: BS2

GeneDx
Classification: Uncertain significance. Last evaluated: 2024-08-19. Review status: criteria provided, single submitter. Criteria: GeneDx Variant Classification Process June 2021. Collection method: clinical testing. Allele origin: germline. Affected: yes.
Comment: Identified in a patient with atrioventricular septal defect in published literature; however, additional clinical and segregation information was not provided (PMID: 19506109); In silico analysis supports that this missense variant has a deleterious effect on protein structure/function; This variant is associated with the following publications: (PMID: 22815472, 27198584, 19506109)

NM_003359.4(UGDH):c.1248G>C (p.Glu416Asp)

Gene: UGDH (UDP-glucose 6-dehydrogenase; minus strand). Cytogenetic location: 4p14.
Variant type: single nucleotide variant.
Coding change: c.1248G>C on transcript NM_003359.4 (MANE Select); coding-DNA position 1248, G replaced by C.
Protein change: p.Glu416Asp; replaces glutamic acid 416 with aspartic acid.
Molecular consequence: missense variant.
Genome position (GRCh38, 1-based): chr4:39,504,432, C>G on the plus strand (G>C on the coding strand, the complement: UGDH is on the minus strand). VCF-style: chr4-39504432-C-G. GRCh37 (hg19) VCF-style: chr4-39506052-C-G.
Other names: c.1047G>C, p.Glu349Asp (NM_001184700.2); c.957G>C, p.Glu319Asp (NM_001184701.2); short protein forms E319D, E349D, E416D.
Identifiers: ClinVar variation 3764155 (VCV003764155.8).
Genomic context (GRCh38, chr4:39,504,432, plus strand): 5'-GGAACACCTCTAGAATTTTCCTTAGTATCTTTTCTGTTACCTTACCTTAAACATGTCCCA[C>G]TCAGTGCAAATAACAACAGCATGGGCACCATCACATGCTTCATATGGATCCTTGGAAATG-3'
Protein context (NP_003350.1, residues 406-426): DGAHAVVICT[Glu416Asp]WDMFKELDYE